The following is an entry in ClinVar:

ClinVar aggregate classification (germline): Pathogenic (1 of 4 stars; one submission).

Allele frequency attached by ClinVar (database versions not stated): TOPMed 0.00002; gnomAD 0.00001.

Submission:

Labcorp Genetics (formerly Invitae), Labcorp
Classification: Pathogenic. Last evaluated: 2023-01-27. Review status: criteria provided, single submitter. Criteria: Invitae Variant Classification Sherloc (09022015). Collection method: clinical testing. Allele origin: germline.
Comment: For these reasons, this variant has been classified as Pathogenic. ClinVar contains an entry for this variant (Variation ID: 1353623). This variant has not been reported in the literature in individuals affected with VPS13A-related conditions. This variant is not present in population databases (gnomAD no frequency). This sequence change creates a premature translational stop signal (p.Ile1657Leufs*25) in the VPS13A gene. It is expected to result in an absent or disrupted protein product. Loss-of-function variants in VPS13A are known to be pathogenic (PMID: 12404112, 21598378).

Literature cited by the submitters: PubMed 12404112; PubMed 21598378.

NM_033305.3(VPS13A):c.4969_5011del (p.Ile1657fs)

Gene: VPS13A (vacuolar protein sorting 13 homolog A; plus strand). Cytogenetic location: 9q21.2.
Variant type: Deletion.
Coding change: c.4969_5011del on transcript NM_033305.3 (MANE Select); coding-DNA positions 4969 to 5011, 43 bases deleted.
Protein change: p.Ile1657fs; shifts the reading frame from isoleucine 1657.
Molecular consequence: frameshift variant.
Genome position (GRCh38, 1-based): chr9:77,318,247-77,318,289, 43 bases deleted. GRCh37 (hg19): chr9:79,933,163-79,933,205.
Other names: c.4852_4894del, p.Ile1618fs (NM_001018037.2); c.4969_5011del, p.Ile1657fs (NM_001018038.3, NM_015186.4); short protein forms I1618fs, I1657fs.
Identifiers: ClinVar variation 1353623 (VCV001353623.7), dbSNP rs1469144732, ClinGen allele CA867052631.